The following is an entry in ClinVar:

NM_030943.4(AMN):c.844-1G>C

Gene: AMN (amnion associated transmembrane protein; plus strand). Cytogenetic location: 14q32.32.
Variant type: single nucleotide variant.
Coding change: c.844-1G>C on transcript NM_030943.4 (MANE Select); the canonical splice acceptor site of the intron before coding-DNA position 844, G replaced by C.
Molecular consequence: splice acceptor variant.
Genome position (GRCh38, 1-based): chr14:102,929,923, G>C. VCF-style: chr14-102929923-G-C. GRCh37 (hg19) VCF-style: chr14-103396260-G-C.
Identifiers: ClinVar variation 567966 (VCV000567966.8), dbSNP rs969552874, ClinGen allele CA267175401.

ClinVar aggregate classification (germline): Likely pathogenic. Review status: criteria provided, multiple submitters, no conflicts (2 of 4 stars). 2 submissions from 2 submitters: Likely pathogenic (2). Last evaluated 2023-09-04.

Conditions:
Imerslund-Grasbeck syndrome type 2. Also called: MEGALOBLASTIC ANEMIA, NORWEGIAN TYPE; Imerslund-Gräsbeck syndrome 2; Megaloblastic anemia 1, Norwegian type. Identifiers: MedGen C4016948, MONDO:0100157, OMIM 618882.
Imerslund-Grasbeck syndrome. Also called: Imerslund-Gräsbeck syndrome; ENTEROCYTE COBALAMIN MALABSORPTION; ENTEROCYTE INTRINSIC FACTOR RECEPTOR, DEFECT OF; Megaloblastic anemia due to inborn errors of metabolism; PERNICIOUS ANEMIA, JUVENILE, DUE TO SELECTIVE INTESTINAL MALABSORPTION OF VITAMIN B12, WITH PROTEINURIA. Identifiers: Orphanet 35858, MedGen C4551825, MONDO:0009853.

Allele frequency attached by ClinVar (database versions not stated): gnomAD 0.00001; TOPMed 0.00001.
gnomAD v4.1: 2 of 1,556,368 alleles (0.00013%); highest among the groups gnomAD compares: African/African-American, 0.0027%; no homozygotes.

Submissions (2):

Labcorp Genetics (formerly Invitae), Labcorp
Classification: Likely pathogenic for Imerslund-Grasbeck syndrome. Last evaluated: 2023-09-04. Review status: criteria provided, single submitter. Criteria: Invitae Variant Classification Sherloc (09022015). Collection method: clinical testing. Allele origin: germline.
Comment: In summary, the currently available evidence indicates that the variant is pathogenic, but additional data are needed to prove that conclusively. Therefore, this variant has been classified as Likely Pathogenic. Algorithms developed to predict the effect of sequence changes on RNA splicing suggest that this variant may disrupt the consensus splice site. ClinVar contains an entry for this variant (Variation ID: 567966). This variant has not been reported in the literature in individuals affected with AMN-related conditions. The frequency data for this variant in the population databases is considered unreliable, as metrics indicate poor data quality at this position in the gnomAD database. This sequence change affects an acceptor splice site in intron 8 of the AMN gene. It is expected to disrupt RNA splicing. Variants that disrupt the donor or acceptor splice site typically lead to a loss of protein function (PMID: 16199547), and loss-of-function variants in AMN are known to be pathogenic (PMID: 12590260, 22929189).

Fulgent Genetics
Classification: Likely pathogenic for Imerslund-Grasbeck syndrome type 2. Last evaluated: 2021-07-09. Review status: criteria provided, single submitter. Criteria: ACMG Guidelines, 2015. Collection method: clinical testing. Allele origin: unknown.

Literature cited by the submitters: PubMed 16199547 (cited by Labcorp Genetics (formerly Invitae), Labcorp); PubMed 12590260 (cited by Labcorp Genetics (formerly Invitae), Labcorp); PubMed 22929189 (cited by Labcorp Genetics (formerly Invitae), Labcorp).